The following is an entry in ClinVar:

NM_015374.3(SUN2):c.736G>A (p.Val246Ile)

Gene: SUN2 (Sad1 and UNC84 domain containing 2; minus strand). Cytogenetic location: 22q13.1.
Variant type: single nucleotide variant.
Coding change: c.736G>A on transcript NM_015374.3 (MANE Select); coding-DNA position 736, G replaced by A.
Protein change: p.Val246Ile; replaces valine 246 with isoleucine.
Molecular consequence: missense variant. On other transcripts: intron variant (2).
Genome position (GRCh38, 1-based): chr22:38,745,761, C>T on the plus strand (G>A on the coding strand, the complement: SUN2 is on the minus strand). VCF-style: chr22-38745761-C-T. GRCh37 (hg19) VCF-style: chr22-39141766-C-T.
Other names: c.799G>A, p.Val267Ile (NM_001199579.2, NM_001394428.1); c.736G>A, p.Val246Ile (NM_001199580.2, NM_001394431.1, NM_001394432.1 and 6 more transcripts); c.829G>A, p.Val277Ile (NM_001394427.1); c.781G>A, p.Val261Ile (NM_001394429.1, NM_001394430.1); c.646G>A, p.Val216Ile (NM_001394438.1); c.598G>A, p.Val200Ile (NM_001394439.1, NM_001394440.1, NM_001394441.1); c.244G>A, p.Val82Ile (NM_001394443.1); c.614+4005G>A (NM_001394444.1, NM_001394445.1); short protein forms V246I, V82I, V277I, V200I, V261I, V216I, V267I.
Identifiers: ClinVar variation 2150768 (VCV002150768.4), dbSNP rs183441911, ClinGen allele CA10235788.

ClinVar aggregate classification (germline): Uncertain significance (1 of 4 stars; one submission).

Conditions:
Emery-Dreifuss muscular dystrophy (EDMD). Also called: Scapuloperoneal syndrome, X-linked (formerly); Humeroperoneal neuromuscular disease, (formerly). Identifiers: Orphanet 261, MedGen C0410189, MONDO:0016830.

Allele frequency attached by ClinVar (database versions not stated): TOPMed 0.00002; gnomAD 0.00004; ExAC 0.00007; 1000 Genomes Project 30x 0.00047; 1000 Genomes Project 0.00060.
gnomAD v4.1: 30 of 1,614,126 alleles (0.0019%); highest among the groups gnomAD compares: East Asian, 0.062%; no homozygotes.

Submission:

Labcorp Genetics (formerly Invitae), Labcorp
Classification: Uncertain significance for Emery-Dreifuss muscular dystrophy. Last evaluated: 2024-09-10. Review status: criteria provided, single submitter. Criteria: Invitae Variant Classification Sherloc (09022015). Collection method: clinical testing. Allele origin: germline.
Comment: This sequence change replaces valine, which is neutral and non-polar, with isoleucine, which is neutral and non-polar, at codon 246 of the SUN2 protein (p.Val246Ile). This variant is present in population databases (rs183441911, gnomAD 0.2%), and has an allele count higher than expected for a pathogenic variant. This variant has not been reported in the literature in individuals affected with SUN2-related conditions. ClinVar contains an entry for this variant (Variation ID: 2150768). An algorithm developed to predict the effect of missense changes on protein structure and function (PolyPhen-2) suggests that this variant is likely to be tolerated. In summary, the available evidence is currently insufficient to determine the role of this variant in disease. Therefore, it has been classified as a Variant of Uncertain Significance.